The following is an entry in ClinVar:

ClinVar aggregate classification (germline): Uncertain significance. Review status: criteria provided, multiple submitters, no conflicts (2 of 4 stars). 2 submissions from 2 submitters: Uncertain significance (2). Last evaluated 2026-02-24.

Allele frequency attached by ClinVar (database versions not stated): TOPMed below 0.00001.

Submissions (2):

Women's Health and Genetics/Laboratory Corporation of America, LabCorp
Classification: Uncertain significance. Last evaluated: 2026-02-24. Review status: criteria provided, single submitter. Criteria: LabCorp Variant Classification Summary - May 2015. Collection method: clinical testing. Allele origin: germline.
Comment: Variant summary: SLC4A1 c.485+4C>T alters a nucleotide located close to a canonical splice site and therefore could affect mRNA splicing, leading to a significantly altered protein sequence. Several computational tools predict a significant impact on normal splicing: Two predict the variant weakens a 5' donor site. One predict the variant abolishes a 5' splicing donor site. However, these predictions have yet to be confirmed by functional studies. The variant was absent in 243424 control chromosomes. The available data on variant occurrences in the general population are insufficient to allow any conclusion about variant significance. To our knowledge, no occurrence of c.485+4C>T in individuals affected with SLC4A1-related conditions and no experimental evidence demonstrating its impact on protein function have been reported. ClinVar contains an entry for this variant (Variation ID: 2801179). Based on the evidence outlined above, the variant was classified as uncertain significance.

Labcorp Genetics (formerly Invitae), Labcorp
Classification: Uncertain significance. Last evaluated: 2023-04-27. Review status: criteria provided, single submitter. Criteria: Invitae Variant Classification Sherloc (09022015). Collection method: clinical testing. Allele origin: germline.
Comment: In summary, the available evidence is currently insufficient to determine the role of this variant in disease. Therefore, it has been classified as a Variant of Uncertain Significance. Variants that disrupt the consensus splice site are a relatively common cause of aberrant splicing (PMID: 17576681, 9536098). Algorithms developed to predict the effect of sequence changes on RNA splicing suggest that this variant is not likely to affect RNA splicing. This variant has not been reported in the literature in individuals affected with SLC4A1-related conditions. This variant is not present in population databases (gnomAD no frequency). This sequence change falls in intron 6 of the SLC4A1 gene. It does not directly change the encoded amino acid sequence of the SLC4A1 protein. It affects a nucleotide within the consensus splice site.

Literature cited by the submitters: PubMed 17576681 (cited by Labcorp Genetics (formerly Invitae), Labcorp); PubMed 9536098 (cited by Labcorp Genetics (formerly Invitae), Labcorp).

NM_000342.4(SLC4A1):c.485+4C>T

Gene: SLC4A1 (solute carrier family 4 member 1 (Diego blood group); minus strand). Cytogenetic location: 17q21.31.
Variant type: single nucleotide variant.
Coding change: c.485+4C>T on transcript NM_000342.4 (MANE Select); 4 bases into the intron after coding-DNA position 485, C replaced by T.
Molecular consequence: intron variant.
Genome position (GRCh38, 1-based): chr17:44,260,400, G>A on the plus strand (C>T on the coding strand, the complement: SLC4A1 is on the minus strand). VCF-style: chr17-44260400-G-A. GRCh37 (hg19) VCF-style: chr17-42337768-G-A.
Identifiers: ClinVar variation 2801179 (VCV002801179.4), dbSNP rs762226758, ClinGen allele CA2261310887.